The following is an entry in ClinVar:

NM_144631.6(ZNF513):c.296G>A (p.Ser99Asn)

Gene: ZNF513 (zinc finger protein 513; minus strand). Cytogenetic location: 2p23.3.
Variant type: single nucleotide variant.
Coding change: c.296G>A on transcript NM_144631.6 (MANE Select); coding-DNA position 296, G replaced by A.
Protein change: p.Ser99Asn; replaces serine 99 with asparagine.
Molecular consequence: missense variant.
Genome position (GRCh38, 1-based): chr2:27,378,970, C>T on the plus strand (G>A on the coding strand, the complement: ZNF513 is on the minus strand). VCF-style: chr2-27378970-C-T. GRCh37 (hg19) VCF-style: chr2-27601837-C-T.
Other names: c.110G>A, p.Ser37Asn (NM_001201459.2); short protein forms S37N, S99N.
Identifiers: ClinVar variation 1714529 (VCV001714529.5), dbSNP rs2465625874, ClinGen allele CA346218664.
Genomic context (GRCh38, chr2:27,378,970, plus strand): 5'-GCTGGGCCTGGCCTCTCACCCCTGGCCTCCCCTGGACCCCTGGCTGGCTCCTCAACTTCA[C>T]TCTCCGCACTTAGTGCCCGGCCGCCCCCAGACTCATCGTCGCTCAGCCCATAGGGAAGCC-3'
Protein context (NP_653232.3, residues 89-109): SGGGRALSAE[Ser99Asn]EVEEPARGPG

ClinVar aggregate classification (germline): Uncertain significance (1 of 4 stars; one submission).

Submission:

Labcorp Genetics (formerly Invitae), Labcorp
Classification: Uncertain significance. Last evaluated: 2024-11-11. Review status: criteria provided, single submitter. Criteria: Invitae Variant Classification Sherloc (09022015). Collection method: clinical testing. Allele origin: germline.
Comment: This sequence change replaces serine, which is neutral and polar, with asparagine, which is neutral and polar, at codon 99 of the ZNF513 protein (p.Ser99Asn). This variant is not present in population databases (gnomAD no frequency). This variant has not been reported in the literature in individuals affected with ZNF513-related conditions. ClinVar contains an entry for this variant (Variation ID: 1714529). An algorithm developed to predict the effect of missense changes on protein structure and function (PolyPhen-2) suggests that this variant is likely to be tolerated. In summary, the available evidence is currently insufficient to determine the role of this variant in disease. Therefore, it has been classified as a Variant of Uncertain Significance.